The following is an entry in ClinVar:

NM_173689.7(CRB2):c.905C>T (p.Ala302Val)

Gene: CRB2 (crumbs cell polarity complex component 2; plus strand). Cytogenetic location: 9q33.3.
Variant type: single nucleotide variant.
Coding change: c.905C>T on transcript NM_173689.7 (MANE Select); coding-DNA position 905, C replaced by T.
Protein change: p.Ala302Val; replaces alanine 302 with valine.
Molecular consequence: missense variant.
Genome position (GRCh38, 1-based): chr9:123,367,322, C>T. VCF-style: chr9-123367322-C-T. GRCh37 (hg19) VCF-style: chr9-126129601-C-T.
Other names: c.905C>T (NM_173689.6, NM_173689.5); short protein forms A302V.
Identifiers: ClinVar variation 2167095 (VCV002167095.8), dbSNP rs371211000, ClinGen allele CA5231832.

ClinVar aggregate classification (germline): Conflicting classifications of pathogenicity. Review status: criteria provided, conflicting classifications (1 of 4 stars). 4 submissions from 4 submitters: Uncertain significance (1); Benign (1); Likely benign (1). 1 of the submissions does not count toward it. Last evaluated 2025-12-13.

Conditions:
CRB2-related disorder. Also called: CRB2-related condition; CRB2-related disorders.
Inborn genetic diseases. Identifiers: MedGen C0950123, MeSH D030342.

Allele frequency attached by ClinVar (database versions not stated): ESP Exome Variant Server 0.00008; gnomAD 0.00014; 1000 Genomes Project 30x 0.00016; TOPMed 0.00017; 1000 Genomes Project 0.00020; ExAC 0.00058.
gnomAD v4.1: 370 of 1,604,494 alleles (0.023%); highest among the groups gnomAD compares: South Asian, 0.28%; 5 homozygotes.

Submissions (4):

Labcorp Genetics (formerly Invitae), Labcorp
Classification: Benign. Last evaluated: 2025-12-13. Review status: criteria provided, single submitter. Criteria: Invitae Variant Classification Sherloc (09022015). Collection method: clinical testing. Allele origin: germline.

GeneDx
Classification: Uncertain significance. Last evaluated: 2025-03-31. Review status: criteria provided, single submitter. Criteria: GeneDx Variant Classification Process June 2021. Collection method: clinical testing. Allele origin: germline. Affected: yes.
Comment: In silico analysis supports that this missense variant has a deleterious effect on protein structure/function; Has not been previously published as pathogenic or benign to our knowledge; In silico analysis suggests this variant may impact gene splicing. In the absence of RNA/functional studies, the actual effect of this sequence change is unknown.

Ambry Genetics
Classification: Likely benign for Inborn genetic diseases. Last evaluated: 2021-11-12. Review status: criteria provided, single submitter. Criteria: Ambry Variant Classification Scheme 2023. Collection method: clinical testing. Allele origin: germline.

PreventionGenetics, part of Exact Sciences
Classification: Likely benign for CRB2-related condition. Last evaluated: 2022-02-01. Review status: no assertion criteria provided. Collection method: clinical testing. Allele origin: germline. Not counted in ClinVar's aggregate classification.
Comment: This variant is classified as likely benign based on ACMG/AMP sequence variant interpretation guidelines (Richards et al. 2015 PMID: 25741868, with internal and published modifications).